The following is an entry in ClinVar:

NM_000018.4(ACADVL):c.239G>C (p.Gly80Ala)

Gene: ACADVL (acyl-CoA dehydrogenase very long chain; plus strand). Cytogenetic location: 17p13.1.
Variant type: single nucleotide variant.
Coding change: c.239G>C on transcript NM_000018.4 (MANE Select); coding-DNA position 239, G replaced by C.
Protein change: p.Gly80Ala; replaces glycine 80 with alanine.
Molecular consequence: missense variant.
Genome position (GRCh38, 1-based): chr17:7,220,638, G>C. VCF-style: chr17-7220638-G-C. GRCh37 (hg19) VCF-style: chr17-7123957-G-C.
Other names: c.173G>C, p.Gly58Ala (NM_001033859.3); c.308G>C, p.Gly103Ala (NM_001270447.2); c.11G>C, p.Gly4Ala (NM_001270448.2); short protein forms G58A, G103A, G4A, G80A.
Identifiers: ClinVar variation 2866579 (VCV002866579.4), dbSNP rs1460278489, ClinGen allele CA397722399.

ClinVar aggregate classification (germline): Conflicting classifications of pathogenicity. Review status: criteria provided, conflicting classifications (1 of 4 stars). 3 submissions from 3 submitters: Likely pathogenic (2); Uncertain significance (1). Last evaluated 2025-04-02.

Conditions:
Very long chain acyl-CoA dehydrogenase deficiency (ACADVLD). Also called: VLCAD Deficiency; Very Long-Chain Acyl-Coenzyme A Dehydrogenase Deficiency. Identifiers: Orphanet 26793, MedGen C3887523, MONDO:0008723, OMIM 201475.

Allele frequency attached by ClinVar (database versions not stated): TOPMed 0.00002; gnomAD 0.00001.
gnomAD v4.1: 1 of 1,614,076 alleles (0.000062%); highest among the groups gnomAD compares: East Asian, 0.0022%; no homozygotes.

Submissions (3):

Women's Health and Genetics/Laboratory Corporation of America, LabCorp
Classification: Uncertain significance. Last evaluated: 2025-04-02. Review status: criteria provided, single submitter. Criteria: LabCorp Variant Classification Summary - May 2015. Collection method: clinical testing. Allele origin: germline.
Comment: Variant summary: ACADVL c.239G>C (p.Gly80Ala) results in a non-conservative amino acid change in the encoded protein sequence. Five of five in-silico tools predict a damaging effect of the variant on protein function. The variant was absent in 251476 control chromosomes. The available data on variant occurrences in the general population are insufficient to allow any conclusion about variant significance. To our knowledge, no occurrence of c.239G>C in individuals affected with Very Long Chain Acyl-CoA Dehydrogenase Deficiency and no experimental evidence demonstrating its impact on protein function have been reported. ClinVar contains an entry for this variant (Variation ID: 2866579). Based on the evidence outlined above, the variant was classified as uncertain significance.

First Genomix Gene Laboratory, Genetic Diagnostics Department
Classification: Likely pathogenic for Very long chain acyl-CoA dehydrogenase deficiency. Last evaluated: 2025-03-25. Review status: criteria provided, single submitter. Criteria: ACMG Guidelines, 2015. Collection method: clinical testing. Allele origin: germline. Inheritance: Autosomal recessive inheritance. Affected: no. Observed: 1 variant allele.

Labcorp Genetics (formerly Invitae), Labcorp
Classification: Likely pathogenic for Very long chain acyl-CoA dehydrogenase deficiency. Last evaluated: 2024-01-11. Review status: criteria provided, single submitter. Criteria: Invitae Variant Classification Sherloc (09022015). Collection method: clinical testing. Allele origin: germline.
Comment: This sequence change replaces glycine, which is neutral and non-polar, with alanine, which is neutral and non-polar, at codon 80 of the ACADVL protein (p.Gly80Ala). This variant is not present in population databases (gnomAD no frequency). This variant has not been reported in the literature in individuals affected with ACADVL-related conditions. Advanced modeling of protein sequence and biophysical properties (such as structural, functional, and spatial information, amino acid conservation, physicochemical variation, residue mobility, and thermodynamic stability) performed at Invitae indicates that this missense variant is expected to disrupt ACADVL protein function with a positive predictive value of 95%. This variant disrupts the p.Gly80 amino acid residue in ACADVL. Other variant(s) that disrupt this residue have been determined to be pathogenic (PMID: 30194637). This suggests that this residue is clinically significant, and that variants that disrupt this residue are likely to be disease-causing. In summary, the currently available evidence indicates that the variant is pathogenic, but additional data are needed to prove that conclusively. Therefore, this variant has been classified as Likely Pathogenic.

Literature cited by the submitters: PubMed 30194637 (cited by Labcorp Genetics (formerly Invitae), Labcorp).